The following is an entry in ClinVar:

ClinVar aggregate classification (germline): Uncertain significance (1 of 4 stars; one submission).

Allele frequency attached by ClinVar (database versions not stated): gnomAD exomes below 0.00001; TOPMed 0.00002; gnomAD 0.00003.
gnomAD v4.1: 5 of 1,613,160 alleles (0.00031%); highest among the groups gnomAD compares: African/African-American, 0.0067%; no homozygotes.

Submission:

Labcorp Genetics (formerly Invitae), Labcorp
Classification: Uncertain significance. Last evaluated: 2024-10-16. Review status: criteria provided, single submitter. Criteria: Invitae Variant Classification Sherloc (09022015). Collection method: clinical testing. Allele origin: germline.
Comment: This sequence change replaces leucine, which is neutral and non-polar, with proline, which is neutral and non-polar, at codon 1198 of the CARMIL2 protein (p.Leu1198Pro). This variant is present in population databases (no rsID available, gnomAD 0.007%). This variant has not been reported in the literature in individuals affected with CARMIL2-related conditions. ClinVar contains an entry for this variant (Variation ID: 1923078). Invitae Evidence Modeling of protein sequence and biophysical properties (such as structural, functional, and spatial information, amino acid conservation, physicochemical variation, residue mobility, and thermodynamic stability) indicates that this missense variant is not expected to disrupt CARMIL2 protein function with a negative predictive value of 80%. In summary, the available evidence is currently insufficient to determine the role of this variant in disease. Therefore, it has been classified as a Variant of Uncertain Significance.

NM_001013838.3(CARMIL2):c.3593T>C (p.Leu1198Pro)

Gene: CARMIL2 (capping protein regulator and myosin 1 linker 2; plus strand). Cytogenetic location: 16q22.1.
Variant type: single nucleotide variant.
Coding change: c.3593T>C on transcript NM_001013838.3 (MANE Select); coding-DNA position 3593, T replaced by C.
Protein change: p.Leu1198Pro; replaces leucine 1198 with proline.
Molecular consequence: missense variant.
Genome position (GRCh38, 1-based): chr16:67,654,788, T>C. VCF-style: chr16-67654788-T-C. GRCh37 (hg19) VCF-style: chr16-67688691-T-C.
Other names: c.3485T>C, p.Leu1162Pro (NM_001317026.3); short protein forms L1162P, L1198P.
Identifiers: ClinVar variation 1923078 (VCV001923078.4), dbSNP rs1191125555, ClinGen allele CA396345629.